The following is an entry in ClinVar:

NM_025077.4(TOE1):c.908_910del (p.Phe303del)

Gene: TOE1 (target of EGR1, exonuclease; plus strand). Cytogenetic location: 1p34.1.
Variant type: Deletion.
Coding change: c.908_910del on transcript NM_025077.4 (MANE Select); coding-DNA positions 908 to 910, 3 bases deleted (TCT; older notation c.908_910delTCT).
Protein change: p.Phe303del; deletes phenylalanine 303.
Molecular consequence: inframe deletion.
Genome position (GRCh38, 1-based): chr1:45,342,998-45,343,000, TCT deleted; deleting any 3 consecutive bases within chr1:45,342,996-45,343,000 gives the same sequence; the c. name uses the placement nearest the transcript's 3' end. VCF-style (leftmost placement, unchanged base first): chr1-45342995-ACTT-A. GRCh37 (hg19) VCF-style: chr1-45808667-ACTT-A.
Other names: short protein forms F303del.
Identifiers: ClinVar variation 2630730 (VCV002630730.3), dbSNP rs2524802526, ClinGen allele CA2645385009.

ClinVar aggregate classification (germline): Likely pathogenic (0 of 4 stars; one submission).

Conditions:
TOE1-related disorder. Also called: TOE1-related condition.

Submission:

PreventionGenetics, part of Exact Sciences
Classification: Likely pathogenic for TOE1-related condition. Last evaluated: 2024-02-02. Review status: no assertion criteria provided. Collection method: clinical testing. Allele origin: germline.
Comment: The TOE1 c.908_910delTCT variant is predicted to result in an in-frame deletion (p.Phe303del). To our knowledge, this variant has not been reported in the literature or in a large population database, indicating this variant is rare. This variant is interpreted as likely pathogenic.